The following is an entry in ClinVar:

NM_198578.4(LRRK2):c.*942T>C

Gene: LRRK2 (leucine rich repeat kinase 2; plus strand). Cytogenetic location: 12q12.
Variant type: single nucleotide variant.
Coding change: c.*942T>C on transcript NM_198578.4 (MANE Select); 942 bases downstream of the stop codon, T replaced by C.
Molecular consequence: 3 prime UTR variant.
Genome position (GRCh38, 1-based): chr12:40,368,707, T>C. VCF-style: chr12-40368707-T-C. GRCh37 (hg19) VCF-style: chr12-40762509-T-C.
Identifiers: ClinVar variation 881792 (VCV000881792.4), dbSNP rs182229935, ClinGen allele CA235362533.

ClinVar aggregate classification (germline): Likely benign (1 of 4 stars; one submission).

Conditions:
Autosomal dominant Parkinson disease 8. Also called: Parkinson disease 8, susceptibility to; LRRK2-Related Parkinson Disease; Parkinson disease 8. Identifiers: Orphanet 411602, MedGen C1846862, MONDO:0011764, OMIM 607060.

Allele frequency attached by ClinVar (database versions not stated): TOPMed 0.00011; 1000 Genomes Project 0.00040; 1000 Genomes Project 30x 0.00047.

Submission:

Illumina Laboratory Services, Illumina
Classification: Likely benign for Autosomal dominant Parkinson disease 8. Last evaluated: 2018-01-12. Review status: criteria provided, single submitter. Criteria: ICSL Variant Classification Criteria 13 December 2019. Collection method: clinical testing. Allele origin: germline.
Comment: This variant was observed in the ICSL laboratory as part of a predisposition screen in an ostensibly healthy population. It had not been previously curated by ICSL or reported in the Human Gene Mutation Database (HGMD: prior to June 1st, 2018), and was therefore a candidate for classification through an automated scoring system. Utilizing variant allele frequency, disease prevalence and penetrance estimates, and inheritance mode, an automated score was calculated to assess if this variant is too frequent to cause the disease. Based on the score and internal cut-off values, a variant classified as likely benign is not then subjected to further curation. The score for this variant resulted in a classification of likely benign for this disease.